The following is an entry in ClinVar:

ClinVar aggregate classification (germline): Benign/Likely benign. Review status: criteria provided, multiple submitters, no conflicts (2 of 4 stars). 8 submissions from 8 submitters: Benign (4); Likely benign (4). Last evaluated 2026-01-30.

Conditions:
Developmental and epileptic encephalopathy, 23 (DEE23). Also called: Epileptic encephalopathy, early infantile, 23. Identifiers: Orphanet 411986, MedGen C4014492, MONDO:0014371, OMIM 615859.

Allele frequency attached by ClinVar (database versions not stated): gnomAD exomes 0.00054 and 0.00140; ExAC 0.00168; 1000 Genomes Project 30x 0.00406; 1000 Genomes Project 0.00419; gnomAD 0.00552 and 0.00601; TOPMed 0.00612; ESP Exome Variant Server 0.00630.
gnomAD v4.1: 1,686 of 1,614,044 alleles (0.1%); highest among the groups gnomAD compares: African/African-American, 2%; 21 homozygotes.

Submissions (8):

Labcorp Genetics (formerly Invitae), Labcorp
Classification: Benign for Developmental and epileptic encephalopathy, 23. Last evaluated: 2026-01-30. Review status: criteria provided, single submitter. Criteria: Invitae Variant Classification Sherloc (09022015). Collection method: clinical testing. Allele origin: germline.

ARUP Laboratories, Molecular Genetics and Genomics, ARUP Laboratories
Classification: Benign for Developmental and epileptic encephalopathy, 23. Last evaluated: 2024-10-11. Review status: criteria provided, single submitter. Criteria: ARUP Molecular Germline Variant Investigation Process 2024. Collection method: clinical testing. Allele origin: germline.

Genome-Nilou Lab
Classification: Likely benign for Developmental and epileptic encephalopathy, 23. Last evaluated: 2023-04-11. Review status: criteria provided, single submitter. Criteria: ACMG Guidelines, 2015. Collection method: clinical testing. Allele origin: germline. Affected: no.

GeneDx
Classification: Likely benign. Last evaluated: 2022-05-13. Review status: criteria provided, single submitter. Criteria: GeneDx Variant Classification Process June 2021. Collection method: clinical testing. Allele origin: germline. Affected: yes.
Comment: See Variant Classification Assertion Criteria.

Mayo Clinic Laboratories, Mayo Clinic
Classification: Benign. Last evaluated: 2019-11-05. Review status: criteria provided, single submitter. Criteria: ACMG Guidelines, 2015. Collection method: clinical testing. Allele origin: germline. Observed: 5 variant alleles.

Genetic Services Laboratory, University of Chicago
Classification: Benign. Last evaluated: 2017-11-20. Review status: criteria provided, single submitter. Criteria: ACMG Guidelines, 2015. Collection method: clinical testing. Allele origin: germline. Affected: no.

Athena Diagnostics
Classification: Likely benign. Last evaluated: 2017-09-07. Review status: criteria provided, single submitter. Criteria: Athena Diagnostics Criteria. Collection method: clinical testing. Allele origin: germline.

Breakthrough Genomics
Classification: Likely benign. Review status: criteria provided, single submitter. Criteria: ACMG Guidelines, 2015. Collection method: not provided. Allele origin: germline. Inheritance: Autosomal recessive inheritance. Affected: yes.

NM_001367561.1(DOCK7):c.4696G>A (p.Gly1566Ser)

Gene: DOCK7 (dedicator of cytokinesis 7; minus strand). Cytogenetic location: 1p31.3.
Variant type: single nucleotide variant.
Coding change: c.4696G>A on transcript NM_001367561.1 (MANE Select); coding-DNA position 4696, G replaced by A.
Protein change: p.Gly1566Ser; replaces glycine 1566 with serine.
Molecular consequence: missense variant.
Genome position (GRCh38, 1-based): chr1:62,504,698, C>T on the plus strand (G>A on the coding strand, the complement: DOCK7 is on the minus strand). VCF-style: chr1-62504698-C-T. GRCh37 (hg19) VCF-style: chr1-62970369-C-T.
Other names: p.Gly1557Ser; c.4669G>A, p.Gly1557Ser (NM_001271999.2, NM_001330614.2); c.4576G>A, p.Gly1526Ser (NM_001272000.2, NM_001272001.2); c.4603G>A, p.Gly1535Ser (NM_033407.4); short protein forms G1557S, G1535S, G1526S, G1566S.
Identifiers: ClinVar variation 475153 (VCV000475153.23), dbSNP rs147103646, ClinGen allele CA885634.